The following is an entry in ClinVar:

ClinVar aggregate classification (germline): Uncertain significance (1 of 4 stars; one submission).

Submission:

GeneDx
Classification: Uncertain significance. Last evaluated: 2024-05-01. Review status: criteria provided, single submitter. Criteria: GeneDx Variant Classification Process June 2021. Collection method: clinical testing. Allele origin: germline. Affected: yes.
Comment: Not observed at significant frequency in large population cohorts (gnomAD); In silico analysis supports that this missense variant has a deleterious effect on protein structure/function; Has not been previously published as pathogenic or benign to our knowledge

NM_014515.7(CNOT2):c.1214C>T (p.Ser405Phe)

Gene: CNOT2 (CCR4-NOT transcription complex subunit 2; plus strand). Cytogenetic location: 12q15.
Variant type: single nucleotide variant.
Coding change: c.1214C>T on transcript NM_014515.7 (MANE Select); coding-DNA position 1214, C replaced by T.
Protein change: p.Ser405Phe; replaces serine 405 with phenylalanine.
Molecular consequence: missense variant. On other transcripts: non-coding transcript variant (1).
Genome position (GRCh38, 1-based): chr12:70,342,142, C>T. VCF-style: chr12-70342142-C-T. GRCh37 (hg19) VCF-style: chr12-70735922-C-T.
Other names: c.1214C>T, p.Ser405Phe (NM_001199302.2, NM_001199303.2, NM_001414651.1 and 1 more transcripts); c.1187C>T, p.Ser396Phe (NM_001414653.1, NM_001414654.1, NM_001414655.1); c.1172C>T, p.Ser391Phe (NM_001414656.1); c.1154C>T, p.Ser385Phe (NM_001414657.1, NM_001414658.1, NM_001414659.1 and 1 more transcripts); c.1091C>T, p.Ser364Phe (NM_001414661.1); c.1031C>T, p.Ser344Phe (NM_001414662.1); short protein forms S344F, S364F, S385F, S391F, S396F, S405F.
Identifiers: ClinVar variation 3373099 (VCV003373099.1).